The following is an entry in ClinVar:

NM_032229.3(SLITRK6):c.1034T>C (p.Ile345Thr)

Gene: SLITRK6 (SLIT and NTRK like family member 6; minus strand). Cytogenetic location: 13q31.1.
Variant type: single nucleotide variant.
Coding change: c.1034T>C on transcript NM_032229.3 (MANE Select); coding-DNA position 1034, T replaced by C.
Protein change: p.Ile345Thr; replaces isoleucine 345 with threonine.
Molecular consequence: missense variant.
Genome position (GRCh38, 1-based): chr13:85,795,475, A>G on the plus strand (T>C on the coding strand, the complement: SLITRK6 is on the minus strand). VCF-style: chr13-85795475-A-G. GRCh37 (hg19) VCF-style: chr13-86369610-A-G.
Other names: short protein forms I345T.
Identifiers: ClinVar variation 3372847 (VCV003372847.1).

ClinVar aggregate classification (germline): Uncertain significance (1 of 4 stars; one submission).

Submission:

GeneDx
Classification: Uncertain significance. Last evaluated: 2024-04-22. Review status: criteria provided, single submitter. Criteria: GeneDx Variant Classification Process June 2021. Collection method: clinical testing. Allele origin: germline. Affected: yes.
Comment: Not observed at significant frequency in large population cohorts (gnomAD); In silico analysis supports that this missense variant has a deleterious effect on protein structure/function; Has not been previously published as pathogenic or benign to our knowledge